The following is an entry in ClinVar:

NM_001039591.3(USP9X):c.4156G>A (p.Ala1386Thr)

Gene: USP9X (ubiquitin specific peptidase 9 X-linked; plus strand). Cytogenetic location: Xp11.4.
Variant type: single nucleotide variant.
Coding change: c.4156G>A on transcript NM_001039591.3 (MANE Select); coding-DNA position 4156, G replaced by A.
Protein change: p.Ala1386Thr; replaces alanine 1386 with threonine.
Molecular consequence: missense variant.
Genome position (GRCh38, 1-based): chrX:41,196,661, G>A. VCF-style: chrX-41196661-G-A. GRCh37 (hg19) VCF-style: chrX-41055914-G-A.
Other names: c.4156G>A, p.Ala1386Thr (NM_001039590.3); c.4171G>A, p.Ala1391Thr (NM_001410748.1, NM_001410749.1); short protein forms A1386T, A1391T.
Identifiers: ClinVar variation 2660328 (VCV002660328.24), dbSNP rs2519307503, ClinGen allele CA412772740.
Genomic context (GRCh38, chrX:41,196,661, plus strand): 5'-AGAGAGAGAGCTAAACACTCAGGCGACTACTTTACTCTTTTAAGACACCTTCTTAATTAC[G>A]CTTACAATAGTAATATTAATGTACCCAATGCTGAAGTTCTTCTCAATAATGAAATTGATT-3'
Protein context (NP_001034680.2, residues 1376-1396): FTLLRHLLNY[Ala1386Thr]YNSNINVPNA

ClinVar aggregate classification (germline): Uncertain significance (1 of 4 stars; one submission).

Submission:

CeGaT Center for Human Genetics Tuebingen
Classification: Uncertain significance. Last evaluated: 2022-05-01. Review status: criteria provided, single submitter. Criteria: CeGaT Center For Human Genetics Tuebingen Variant Classification Criteria Version 2. Collection method: clinical testing. Allele origin: germline. Affected: yes. Observed: 1 variant allele.
Comment: USP9X: PM2